The following is an entry in ClinVar:

ClinVar aggregate classification (germline): Uncertain significance (1 of 4 stars; one submission).

Submission:

GeneDx
Classification: Uncertain significance. Last evaluated: 2024-03-22. Review status: criteria provided, single submitter. Criteria: GeneDx Variant Classification Process June 2021. Collection method: clinical testing. Allele origin: germline. Affected: yes.
Comment: In silico analysis supports that this missense variant does not alter protein structure/function; Has not been previously published as pathogenic or benign to our knowledge

NM_019066.5(MAGEL2):c.1954G>C (p.Ala652Pro)

Gene: MAGEL2 (MAGE family member L2; minus strand). Cytogenetic location: 15q11.2.
Variant type: single nucleotide variant.
Coding change: c.1954G>C on transcript NM_019066.5 (MANE Select); coding-DNA position 1954, G replaced by C.
Protein change: p.Ala652Pro; replaces alanine 652 with proline.
Molecular consequence: missense variant.
Genome position (GRCh38, 1-based): chr15:23,645,789, C>G on the plus strand (G>C on the coding strand, the complement: MAGEL2 is on the minus strand). VCF-style: chr15-23645789-C-G. GRCh37 (hg19) VCF-style: chr15-23890936-C-G.
Other names: short protein forms A652P.
Identifiers: ClinVar variation 3371297 (VCV003371297.1).